The following is an entry in ClinVar:

ClinVar aggregate classification (germline): Uncertain significance (1 of 4 stars; one submission).

Allele frequency attached by ClinVar (database versions not stated): TOPMed below 0.00001.
gnomAD v4.1: 2 of 1,613,922 alleles (0.00012%); highest among the groups gnomAD compares: Non-Finnish European, 0.00017%; no homozygotes.

Submission:

Labcorp Genetics (formerly Invitae), Labcorp
Classification: Uncertain significance. Last evaluated: 2022-02-02. Review status: criteria provided, single submitter. Criteria: Invitae Variant Classification Sherloc (09022015). Collection method: clinical testing. Allele origin: germline.
Comment: This sequence change replaces proline, which is neutral and non-polar, with threonine, which is neutral and polar, at codon 386 of the RETREG1 protein (p.Pro386Thr). This variant is not present in population databases (gnomAD no frequency). This variant has not been reported in the literature in individuals affected with RETREG1-related conditions. Algorithms developed to predict the effect of missense changes on protein structure and function (SIFT, PolyPhen-2, Align-GVGD) all suggest that this variant is likely to be tolerated. In summary, the available evidence is currently insufficient to determine the role of this variant in disease. Therefore, it has been classified as a Variant of Uncertain Significance.

NM_001034850.3(RETREG1):c.1156C>A (p.Pro386Thr)

Gene: RETREG1 (reticulophagy regulator 1; minus strand). Cytogenetic location: 5p15.1.
Variant type: single nucleotide variant.
Coding change: c.1156C>A on transcript NM_001034850.3 (MANE Select); coding-DNA position 1156, C replaced by A.
Protein change: p.Pro386Thr; replaces proline 386 with threonine.
Molecular consequence: missense variant.
Genome position (GRCh38, 1-based): chr5:16,475,079, G>T on the plus strand (C>A on the coding strand, the complement: RETREG1 is on the minus strand). VCF-style: chr5-16475079-G-T. GRCh37 (hg19) VCF-style: chr5-16475188-G-T.
Other names: c.733C>A, p.Pro245Thr (NM_019000.5); short protein forms P386T, P245T.
Identifiers: ClinVar variation 1939619 (VCV001939619.2), dbSNP rs1427260133, ClinGen allele CA359256306.
Genomic context (GRCh38, chr5:16,475,079, plus strand): 5'-AGGTTTGGTCACTGTTCAGAGGAAGGGTGAGACCAGCTGCTGATTGCGTCTCTTTGCTTG[G>T]TCTGTGACCACTGTCCAACTGTTCCTTCTTTCTCTTGAGCTCAGTGGGCAAACCAAGGCT-3'
Protein context (NP_001030022.1, residues 376-396): KKEQLDSGHR[Pro386Thr]SKETQSAAGL